The following is an entry in ClinVar:

ClinVar aggregate classification (germline): Uncertain significance (1 of 4 stars; one submission).

Submission:

GeneDx
Classification: Uncertain significance. Last evaluated: 2025-06-12. Review status: criteria provided, single submitter. Criteria: GeneDx Variant Classification Process June 2021. Collection method: clinical testing. Allele origin: germline. Affected: yes.
Comment: Frameshift variant predicted to result in protein truncation or nonsense mediated decay in a gene or region of a gene for which loss of function is not a well-established mechanism of disease; Not observed at significant frequency in large population cohorts (gnomAD); Has not been previously published as pathogenic or benign to our knowledge

NM_003718.5(CDK13):c.2599dup (p.Ser867fs)

Gene: CDK13 (cyclin dependent kinase 13; plus strand). Cytogenetic location: 7p14.1.
Variant type: Duplication.
Coding change: c.2599dup on transcript NM_003718.5 (MANE Select); coding-DNA position 2599, one base duplicated (A; older notation c.2599dupA).
Protein change: p.Ser867fs; shifts the reading frame from serine 867.
Molecular consequence: frameshift variant.
Genome position (GRCh38, 1-based): chr7:40,047,876, A duplicated; the last of 3 consecutive A bases (chr7:40,047,874-40,047,876); duplicating any one gives the same sequence. VCF-style (leftmost placement, unchanged base first): chr7-40047873-G-GA. GRCh37 (hg19) VCF-style: chr7-40087472-G-GA.
Other names: c.2599dup, p.Ser867Lysfs (NM_031267.4); short protein forms S867fs.
Identifiers: ClinVar variation 4537570 (VCV004537570.1).